The following is an entry in ClinVar:

ClinVar aggregate classification (germline): Pathogenic (1 of 4 stars; one submission).

Submission:

Labcorp Genetics (formerly Invitae), Labcorp
Classification: Pathogenic. Last evaluated: 2022-01-24. Review status: criteria provided, single submitter. Criteria: Invitae Variant Classification Sherloc (09022015). Collection method: clinical testing. Allele origin: germline.
Comment: This variant has not been reported in the literature in individuals affected with RP1-related conditions. For these reasons, this variant has been classified as Pathogenic. This variant disrupts the C-terminus of the RP1 protein. Many variants that disrupt this region have been reported in individuals with either autosomal dominant or autosomal recessive retinitis pigmentosa (PMID: 11527933, 19933189, 29425069, 30027431). Therefore, variants that disrupt this region are expected to be disease-causing. This variant is not present in population databases (gnomAD no frequency). This sequence change creates a premature translational stop signal (p.Trp1591*) in the RP1 gene. While this is not anticipated to result in nonsense mediated decay, it is expected to disrupt the last 566 amino acid(s) of the RP1 protein.

Literature cited by the submitters: PubMed 11527933; PubMed 19933189; PubMed 29425069; PubMed 30027431.

NM_006269.2(RP1):c.4772G>A (p.Trp1591Ter)

Gene: RP1 (RP1 axonemal microtubule associated; plus strand). Cytogenetic location: 8q12.1.
Variant type: single nucleotide variant.
Coding change: c.4772G>A on transcript NM_006269.2 (MANE Select); coding-DNA position 4772, G replaced by A.
Protein change: p.Trp1591Ter; replaces tryptophan 1591 with a stop codon.
Molecular consequence: nonsense. On other transcripts: intron variant (1).
Genome position (GRCh38, 1-based): chr8:54,628,654, G>A. VCF-style: chr8-54628654-G-A. GRCh37 (hg19) VCF-style: chr8-55541214-G-A.
Other names: c.787+6366G>A (NM_001375654.1); short protein forms W1591*.
Identifiers: ClinVar variation 2089378 (VCV002089378.4), dbSNP rs1806153102, ClinGen allele CA370983151.